The following is an entry in ClinVar:

ClinVar aggregate classification (germline): Pathogenic (1 of 4 stars; one submission).

Conditions:
Familial cancer of breast. Also called: Hereditary breast cancer; BREAST CANCER, FAMILIAL; hereditary breast carcinoma. Identifiers: Orphanet 227535, MedGen C0346153, MONDO:0016419, OMIM 114480. Disease mechanism: loss of function.

Submission:

Labcorp Genetics (formerly Invitae), Labcorp
Classification: Pathogenic for Familial cancer of breast. Last evaluated: 2016-11-03. Review status: criteria provided, single submitter. Criteria: Invitae Variant Classification Sherloc (09022015). Collection method: clinical testing. Allele origin: germline.
Comment: This variant is a gross deletion of the genomic region encompassing exon 8 of the CHEK2 gene. This creates a premature translational stop signal and is expected to result in an absent or disrupted protein product. While this particular gross deletion has not been reported in the literature, exon-level deletions in CHEK2 have been reported in affected patients and are known to be pathogenic (PMID: 16551709, 24763289, 17085682). For these reasons, this variant has been classified as Pathogenic.

NC_000022.11:g.(?_28703505)_(28703566_?)del

Gene: CHEK2 (checkpoint kinase 2; minus strand). Cytogenetic location: 22q12.1.
Variant type: Deletion.
Identifiers: ClinVar variation 417605 (VCV000417605.2).